The following is an entry in ClinVar:

NM_001379500.1(COL18A1):c.758_759delinsTT (p.Ser253Ile)

Gene: COL18A1 (collagen type XVIII alpha 1 chain; plus strand). Cytogenetic location: 21q22.3.
Variant type: Indel.
Coding change: c.758_759delinsTT on transcript NM_001379500.1 (MANE Select); coding-DNA positions 758 to 759, GC replaced by TT.
Protein change: p.Ser253Ile; replaces serine 253 with isoleucine.
Molecular consequence: missense variant.
Genome position (GRCh38, 1-based): chr21:45,475,495-45,475,496, GC replaced by TT. VCF-style: chr21-45475495-GC-TT. GRCh37 (hg19) VCF-style: chr21-46895409-GC-TT.
Other names: c.1298_1299delinsTT, p.Ser433Ile (NM_030582.4); c.2003_2004delinsTT, p.Ser668Ile (NM_130444.3); short protein forms S433I, S668I, S253I.
Identifiers: ClinVar variation 1363134 (VCV001363134.4), dbSNP rs2145915515, ClinGen allele CA2573157567.

ClinVar aggregate classification (germline): Uncertain significance. Review status: criteria provided, multiple submitters, no conflicts (2 of 4 stars). 2 submissions from 2 submitters: Uncertain significance (2). Last evaluated 2022-09-28.

Submissions (2):

Blueprint Genetics
Classification: Uncertain significance. Last evaluated: 2022-09-28. Review status: criteria provided, single submitter. Criteria: ACMG Guidelines, 2015. Collection method: clinical testing. Allele origin: germline.

Labcorp Genetics (formerly Invitae), Labcorp
Classification: Uncertain significance. Last evaluated: 2022-03-27. Review status: criteria provided, single submitter. Criteria: Invitae Variant Classification Sherloc (09022015). Collection method: clinical testing. Allele origin: germline.
Comment: This sequence change replaces serine, which is neutral and polar, with isoleucine, which is neutral and non-polar, at codon 253 of the COL18A1 protein (p.Ser253Ile). The frequency data for this variant in the population databases is considered unreliable, as metrics indicate poor data quality at this position in the gnomAD database. This variant has not been reported in the literature in individuals affected with COL18A1-related conditions. Experimental studies and prediction algorithms are not available or were not evaluated, and the functional significance of this variant is currently unknown. In summary, the available evidence is currently insufficient to determine the role of this variant in disease. Therefore, it has been classified as a Variant of Uncertain Significance.